The following is an entry in ClinVar:

ClinVar aggregate classification (germline): Uncertain significance (1 of 4 stars; one submission).

Conditions:
Adams-Oliver syndrome 5 (AOS5). Identifiers: Orphanet 974, MedGen C4014970, MONDO:0014459, OMIM 616028.

Allele frequency attached by ClinVar (database versions not stated): gnomAD exomes below 0.00001; TOPMed below 0.00001.
gnomAD v4.1: 2 of 1,612,664 alleles (0.00012%); highest among the groups gnomAD compares: Non-Finnish European, 0.00017%; no homozygotes.

Submission:

Labcorp Genetics (formerly Invitae), Labcorp
Classification: Uncertain significance for Adams-Oliver syndrome 5. Last evaluated: 2023-08-11. Review status: criteria provided, single submitter. Criteria: Invitae Variant Classification Sherloc (09022015). Collection method: clinical testing. Allele origin: germline.
Comment: This sequence change replaces phenylalanine, which is neutral and non-polar, with cysteine, which is neutral and slightly polar, at codon 853 of the NOTCH1 protein (p.Phe853Cys). This variant is not present in population databases (gnomAD no frequency). This variant has not been reported in the literature in individuals affected with NOTCH1-related conditions. ClinVar contains an entry for this variant (Variation ID: 1016736). An algorithm developed to predict the effect of missense changes on protein structure and function (PolyPhen-2) suggests that this variant is likely to be disruptive. In summary, the available evidence is currently insufficient to determine the role of this variant in disease. Therefore, it has been classified as a Variant of Uncertain Significance.

NM_017617.5(NOTCH1):c.2558T>G (p.Phe853Cys)

Gene: NOTCH1 (notch receptor 1; minus strand). Cytogenetic location: 9q34.3.
Variant type: single nucleotide variant.
Coding change: c.2558T>G on transcript NM_017617.5 (MANE Select); coding-DNA position 2558, T replaced by G.
Protein change: p.Phe853Cys; replaces phenylalanine 853 with cysteine.
Molecular consequence: missense variant.
Genome position (GRCh38, 1-based): chr9:136,511,181, A>C on the plus strand (T>G on the coding strand, the complement: NOTCH1 is on the minus strand). VCF-style: chr9-136511181-A-C. GRCh37 (hg19) VCF-style: chr9-139405633-A-C.
Other names: short protein forms F853C.
Identifiers: ClinVar variation 1016736 (VCV001016736.9), dbSNP rs1843175664, ClinGen allele CA375555269.